The following is an entry in ClinVar:

NM_002439.5(MSH3):c.1498A>G (p.Ile500Val)

Gene: MSH3 (mutS homolog 3; plus strand). Cytogenetic location: 5q14.1.
Variant type: single nucleotide variant.
Coding change: c.1498A>G on transcript NM_002439.5 (MANE Select); coding-DNA position 1498, A replaced by G.
Protein change: p.Ile500Val; replaces isoleucine 500 with valine.
Molecular consequence: missense variant.
Genome position (GRCh38, 1-based): chr5:80,728,895, A>G. VCF-style: chr5-80728895-A-G. GRCh37 (hg19) VCF-style: chr5-80024714-A-G.
Other names: c.1498A>G (NM_002439.3, NM_002439.4); short protein forms I500V.
Identifiers: ClinVar variation 1720391 (VCV001720391.8), dbSNP rs1743353245, ClinGen allele CA360274232.

ClinVar aggregate classification (germline): Uncertain significance. Review status: criteria provided, multiple submitters, no conflicts (2 of 4 stars). 3 submissions from 3 submitters: Uncertain significance (3). Last evaluated 2025-04-05.

Conditions:
Familial adenomatous polyposis 4 (FAP4). Also called: MSH3-related attenuated familial adenomatous polyposis. Identifiers: Orphanet 480536, MedGen C4310719, MONDO:0044300, OMIM 617100.
Hereditary cancer-predisposing syndrome. Also called: Hereditary neoplastic syndrome; Neoplastic Syndromes, Hereditary; Hereditary Cancer Syndrome; Tumor predisposition. Identifiers: Orphanet 140162, MedGen C0027672, MeSH D009386, MONDO:0015356.

Allele frequency attached by ClinVar (database versions not stated): gnomAD exomes 0.00001.
gnomAD v4.1: 11 of 1,612,720 alleles (0.00068%); highest among the groups gnomAD compares: South Asian, 0.0011%; no homozygotes.

Submissions (3):

Ambry Genetics
Classification: Uncertain significance for Hereditary cancer-predisposing syndrome. Last evaluated: 2025-04-05. Review status: criteria provided, single submitter. Criteria: Ambry Variant Classification Scheme 2023. Collection method: clinical testing. Allele origin: germline.
Comment: The p.I500V variant (also known as c.1498A>G), located in coding exon 10 of the MSH3 gene, results from an A to G substitution at nucleotide position 1498. The isoleucine at codon 500 is replaced by valine, an amino acid with highly similar properties. This amino acid position is conserved. In addition, this alteration is predicted to be tolerated by in silico analysis. Since supporting evidence is limited at this time, the clinical significance of this alteration remains unclear.

Labcorp Genetics (formerly Invitae), Labcorp
Classification: Uncertain significance. Last evaluated: 2023-12-08. Review status: criteria provided, single submitter. Criteria: Invitae Variant Classification Sherloc (09022015). Collection method: clinical testing. Allele origin: germline.
Comment: This sequence change replaces isoleucine, which is neutral and non-polar, with valine, which is neutral and non-polar, at codon 500 of the MSH3 protein (p.Ile500Val). This variant is not present in population databases (gnomAD no frequency). This variant has not been reported in the literature in individuals affected with MSH3-related conditions. ClinVar contains an entry for this variant (Variation ID: 1720391). Algorithms developed to predict the effect of missense changes on protein structure and function output the following: SIFT: "Not Available"; PolyPhen-2: "Benign"; Align-GVGD: "Not Available". The valine amino acid residue is found in multiple mammalian species, which suggests that this missense change does not adversely affect protein function. In summary, the available evidence is currently insufficient to determine the role of this variant in disease. Therefore, it has been classified as a Variant of Uncertain Significance.

Department of Pathology and Laboratory Medicine, Sinai Health System
Classification: Uncertain significance for Familial adenomatous polyposis 4. Last evaluated: 2023-05-04. Review status: criteria provided, single submitter. Criteria: ACMG Guidelines, 2015. Collection method: clinical testing. Allele origin: germline. Affected: yes.